The following is an entry in ClinVar:

ClinVar aggregate classification (germline): Uncertain significance (1 of 4 stars; one submission).

Conditions:
Hereditary cancer-predisposing syndrome. Also called: Neoplastic Syndromes, Hereditary; Tumor predisposition; Hereditary Cancer Syndrome; Hereditary neoplastic syndrome. Identifiers: Orphanet 140162, MedGen C0027672, MeSH D009386, MONDO:0015356.

Submission:

Ambry Genetics
Classification: Uncertain significance for Hereditary cancer-predisposing syndrome. Last evaluated: 2026-06-10. Review status: criteria provided, single submitter. Criteria: Ambry Variant Classification Scheme 2023. Collection method: clinical testing. Allele origin: germline.
Comment: The p.E240V variant (also known as c.719A>T), located in coding exon 6 of the SDHA gene, results from an A to T substitution at nucleotide position 719. The glutamic acid at codon 240 is replaced by valine, an amino acid with dissimilar properties. This amino acid position is highly conserved in available vertebrate species. In addition, this alteration is predicted to be deleterious by in silico analysis. Based on the available evidence, the clinical significance of this variant remains unclear.

NM_004168.4(SDHA):c.719A>T (p.Glu240Val)

Gene: SDHA (succinate dehydrogenase complex flavoprotein subunit A; plus strand). Cytogenetic location: 5p15.33.
Variant type: single nucleotide variant.
Coding change: c.719A>T on transcript NM_004168.4 (MANE Select); coding-DNA position 719, A replaced by T.
Protein change: p.Glu240Val; replaces glutamic acid 240 with valine.
Molecular consequence: missense variant.
Genome position (GRCh38, 1-based): chr5:228,282, A>T. VCF-style: chr5-228282-A-T. GRCh37 (hg19) VCF-style: chr5-228397-A-T.
Other names: c.575A>T, p.Glu192Val (NM_001294332.2); c.719A>T, p.Glu240Val (NM_001330758.2); short protein forms E192V, E240V.
Identifiers: ClinVar variation 1757616 (VCV001757616.3), dbSNP rs2477316673, ClinGen allele CA359011044.
Genomic context (GRCh38, chr5:228,282, plus strand): 5'-TTGCCTTGGATCTCCTGATGGAGAATGGGGAGTGCCGTGGTGTCATCGCACTGTGCATAG[A>T]GGACGGGTCCATCCATCGCATAAGAGCAAAGAACACTGTTGTTGCCACAGGGTAGGAATC-3'
Protein context (NP_004159.2, residues 230-250): ECRGVIALCI[Glu240Val]DGSIHRIRAK